The following is an entry in ClinVar:

ClinVar aggregate classification (germline): Uncertain significance (0 of 4 stars; one submission).

Conditions:
ANKRD11-related disorder. Also called: ANKRD11-related condition.

Submission:

PreventionGenetics, part of Exact Sciences
Classification: Uncertain significance for ANKRD11-related condition. Last evaluated: 2024-03-05. Review status: no assertion criteria provided. Collection method: clinical testing. Allele origin: germline.
Comment: The ANKRD11 c.5947T>G variant is predicted to result in the amino acid substitution p.Ser1983Ala. To our knowledge, this variant has not been reported in the literature or in a large population database, indicating this variant is rare. At this time, the clinical significance of this variant is uncertain due to the absence of conclusive functional and genetic evidence.

NM_013275.6(ANKRD11):c.5947T>G (p.Ser1983Ala)

Gene: ANKRD11 (ankyrin repeat domain containing 11; minus strand). Cytogenetic location: 16q24.3.
Variant type: single nucleotide variant.
Coding change: c.5947T>G on transcript NM_013275.6 (MANE Select); coding-DNA position 5947, T replaced by G.
Protein change: p.Ser1983Ala; replaces serine 1983 with alanine.
Molecular consequence: missense variant.
Genome position (GRCh38, 1-based): chr16:89,280,595, A>C on the plus strand (T>G on the coding strand, the complement: ANKRD11 is on the minus strand). VCF-style: chr16-89280595-A-C. GRCh37 (hg19) VCF-style: chr16-89347003-A-C.
Other names: c.5947T>G, p.Ser1983Ala (NM_001256182.2, NM_001256183.2); short protein forms S1983A.
Identifiers: ClinVar variation 3353705 (VCV003353705.1).